The following is an entry in ClinVar:

ClinVar aggregate classification (germline): Conflicting classifications of pathogenicity. Review status: criteria provided, conflicting classifications (1 of 4 stars). 3 submissions from 3 submitters: Pathogenic (1); Uncertain significance (2). Last evaluated 2024-11-13.

Conditions:
Early-infantile DEE. Also called: Early infantile epileptic encephalopathy; Early infantile epileptic encephalopathy with suppression bursts; Ohtahara syndrome. Identifiers: Orphanet 1934, MedGen C0393706, MONDO:0800491.

Allele frequency attached by ClinVar (database versions not stated): gnomAD exomes below 0.00001.
gnomAD v4.1: 1 of 1,612,636 alleles (0.000062%); highest among the groups gnomAD compares: African/African-American, 0.0013%; no homozygotes.

Submissions (3):

Women's Health and Genetics/Laboratory Corporation of America, LabCorp
Classification: Uncertain significance. Last evaluated: 2024-11-13. Review status: criteria provided, single submitter. Criteria: LabCorp Variant Classification Summary - May 2015. Collection method: clinical testing. Allele origin: germline.
Comment: Variant summary: SCN1A c.2993A>G (p.Asp998Gly) results in a non-conservative amino acid change in the encoded protein sequence. Four of five in-silico tools predict a damaging effect of the variant on protein function. The variant allele was found at a frequency of 4e-06 in 248786 control chromosomes. The available data on variant occurrences in the general population are insufficient to allow any conclusion about variant significance. c.2993A>G has been reported in the literature in at least 1 individual affected with SCN1A-Related Seizure Disorder (Depienne_2009, Brunklaus_2020, Brunklaus_2022). These data do not allow any conclusion about variant significance. To our knowledge, no experimental evidence demonstrating an impact on protein function has been reported. The following publications have been ascertained in the context of this evaluation (PMID: 32090326, 35074891, 18930999). ClinVar contains an entry for this variant (Variation ID: 1303058). Based on the evidence outlined above, the variant was classified as uncertain significance.

Labcorp Genetics (formerly Invitae), Labcorp
Classification: Pathogenic for Early-infantile DEE. Last evaluated: 2024-04-24. Review status: criteria provided, single submitter. Criteria: Invitae Variant Classification Sherloc (09022015). Collection method: clinical testing. Allele origin: germline.
Comment: This sequence change replaces aspartic acid, which is acidic and polar, with glycine, which is neutral and non-polar, at codon 998 of the SCN1A protein (p.Asp998Gly). This variant is present in population databases (no rsID available, gnomAD 0.007%). This missense change has been observed in individual(s) with Dravet syndrome (PMID: 18930999). ClinVar contains an entry for this variant (Variation ID: 1303058). Advanced modeling of protein sequence and biophysical properties (such as structural, functional, and spatial information, amino acid conservation, physicochemical variation, residue mobility, and thermodynamic stability) performed at Invitae indicates that this missense variant is expected to disrupt SCN1A protein function with a positive predictive value of 95%. This variant disrupts the p.Asp998 amino acid residue in SCN1A. Other variant(s) that disrupt this residue have been determined to be pathogenic (Invitae). This suggests that this residue is clinically significant, and that variants that disrupt this residue are likely to be disease-causing. For these reasons, this variant has been classified as Pathogenic.

GeneDx
Classification: Uncertain significance. Last evaluated: 2020-09-22. Review status: criteria provided, single submitter. Criteria: GeneDx Variant Classification Process June 2021. Collection method: clinical testing. Allele origin: germline. Affected: yes.
Comment: Not observed at a significant frequency in large population cohorts (Lek et al., 2016); Missense variants in this gene are often considered pathogenic (Stenson et al., 2014); In silico analysis supports that this missense variant has a deleterious effect on protein structure/function; This substitution is predicted to be within the the cytoplasmic loop between the second and third homologous domains; This variant is associated with the following publications: (PMID: 18930999, 32090326)

Literature cited by the submitters: PubMed 18930999 (cited by Women's Health and Genetics/Laboratory Corporation of America, LabCorp and Labcorp Genetics (formerly Invitae), Labcorp); PubMed 32090326 (cited by Women's Health and Genetics/Laboratory Corporation of America, LabCorp); PubMed 35074891 (cited by Women's Health and Genetics/Laboratory Corporation of America, LabCorp).

NM_001165963.4(SCN1A):c.2993A>G (p.Asp998Gly)

Gene: SCN1A (sodium voltage-gated channel alpha subunit 1; minus strand). Cytogenetic location: 2q24.3.
Variant type: single nucleotide variant.
Coding change: c.2993A>G on transcript NM_001165963.4 (MANE Select); coding-DNA position 2993, A replaced by G.
Protein change: p.Asp998Gly; replaces aspartic acid 998 with glycine.
Molecular consequence: missense variant. On other transcripts: non-coding transcript variant (1).
Genome position (GRCh38, 1-based): chr2:166,036,484, T>C on the plus strand (A>G on the coding strand, the complement: SCN1A is on the minus strand). VCF-style: chr2-166036484-T-C. GRCh37 (hg19) VCF-style: chr2-166892994-T-C.
Other names: c.2960A>G, p.Asp987Gly (NM_001353951.2, NM_001353952.2, NM_006920.6 and 2 more transcripts); c.2957A>G, p.Asp986Gly (NM_001353954.2, NM_001353955.2); c.2909A>G, p.Asp970Gly (NM_001353957.2, NM_001353958.2, NM_001165964.3); c.2906A>G, p.Asp969Gly (NM_001353960.2); c.551A>G, p.Asp184Gly (NM_001353961.2); c.2993A>G, p.Asp998Gly (NM_001202435.3, NM_001353948.2); short protein forms D184G, D969G, D970G, D986G, D987G, D998G.
Identifiers: ClinVar variation 1303058 (VCV001303058.5), dbSNP rs1484321812, ClinGen allele CA349060483.